The following is an entry in ClinVar:

ClinVar aggregate classification (germline): Likely benign. Review status: criteria provided, single submitter (1 of 4 stars). 2 submissions from 2 submitters: Likely benign (1). 1 of the submissions does not count toward it. Last evaluated 2019-12-31.

Conditions:
BLTP1-related disorder. Also called: BLTP1-related condition.

Submissions (2):

Labcorp Genetics (formerly Invitae), Labcorp
Classification: Likely benign. Last evaluated: 2019-12-31. Review status: criteria provided, single submitter. Criteria: Invitae Variant Classification Sherloc (09022015). Collection method: clinical testing. Allele origin: germline.

PreventionGenetics, part of Exact Sciences
Classification: Likely benign for BLTP1-related condition. Last evaluated: 2023-03-23. Review status: no assertion criteria provided. Collection method: clinical testing. Allele origin: germline. Not counted in ClinVar's aggregate classification.
Comment: This variant is classified as likely benign based on ACMG/AMP sequence variant interpretation guidelines (Richards et al. 2015 PMID: 25741868, with internal and published modifications).

NM_001384125.1(BLTP1):c.1655-9C>A

Gene: BLTP1 (bridge-like lipid transfer protein family member 1; plus strand). Cytogenetic location: 4q27.
Variant type: single nucleotide variant.
Coding change: c.1655-9C>A on transcript NM_001384125.1 (MANE Select); 9 bases into the intron before coding-DNA position 1655, C replaced by A.
Molecular consequence: intron variant.
Genome position (GRCh38, 1-based): chr4:122,207,532, C>A. VCF-style: chr4-122207532-C-A. GRCh37 (hg19) VCF-style: chr4-123128687-C-A.
Other names: c.1655-9C>A (NM_015312.4).
Identifiers: ClinVar variation 738101 (VCV000738101.6), dbSNP rs78292470, ClinGen allele CA554189821.